The following is an entry in ClinVar:

ClinVar aggregate classification (germline): Conflicting classifications of pathogenicity. Review status: criteria provided, conflicting classifications (1 of 4 stars). 7 submissions from 7 submitters: Uncertain significance (1); Likely benign (6). Last evaluated 2026-09-09.

Conditions:
Inborn genetic diseases. Identifiers: MedGen C0950123, MeSH D030342.
Hereditary spastic paraplegia. Also called: Familial spastic paraparesis. Identifiers: Orphanet 685, MedGen C0037773, MONDO:0019064. Disease mechanism: loss of function.
Hereditary spastic paraplegia 30. Identifiers: Orphanet 101010, MedGen C5235139, MONDO:0012476.
Neuropathy, hereditary sensory, type 2C. Also called: KIF1A-Related HSAN2 (HSAN2C); Hereditary sensory and autonomic neuropathy type IIC. Identifiers: Orphanet 970, MedGen C3280168, MONDO:0013634, OMIM 614213.
Intellectual disability, autosomal dominant 9 (NESCAVS). Also called: NESCAV SYNDROME; KIF1A-Related Neurodevelopmental Disorder. Identifiers: Orphanet 662367, MedGen C5393830, MONDO:0013656, OMIM 614255.
KIF1A-related disorder. Also called: KIF1A-related disorders; KIF1A-related condition.

Allele frequency attached by ClinVar (database versions not stated): TOPMed 0.00005.
gnomAD v4.1: 116 of 1,611,572 alleles (0.0072%); highest among the groups gnomAD compares: Admixed American, 0.018%; no homozygotes.

Submissions (7):

PreventionGenetics, part of Exact Sciences
Classification: Likely benign for KIF1A-related condition. Last evaluated: 2026-09-09. Review status: criteria provided, single submitter. Criteria: ACMG Guidelines, 2015. Collection method: clinical testing. Allele origin: germline.
Comment: This variant is classified as likely benign based on ACMG/AMP sequence variant interpretation guidelines (Richards et al. 2015 PMID: 25741868, with internal and published modifications).

CeGaT Center for Human Genetics Tuebingen
Classification: Likely benign. Last evaluated: 2025-12-01. Review status: criteria provided, single submitter. Criteria: CeGaT Center For Human Genetics Tuebingen Variant Classification Criteria Version 2. Collection method: clinical testing. Allele origin: germline. Affected: yes. Observed: 2 variant alleles.
Comment: KIF1A: BP4, BP7

Labcorp Genetics (formerly Invitae), Labcorp
Classification: Likely benign for Hereditary spastic paraplegia 30; Neuropathy, hereditary sensory, type 2C; Intellectual disability, autosomal dominant 9. Last evaluated: 2025-08-30. Review status: criteria provided, single submitter. Criteria: Invitae Variant Classification Sherloc (09022015). Collection method: clinical testing. Allele origin: germline.

GeneDx
Classification: Likely benign. Last evaluated: 2020-12-15. Review status: criteria provided, single submitter. Criteria: GeneDx Variant Classification Process June 2021. Collection method: clinical testing. Allele origin: germline. Affected: yes.

Genome Diagnostics Laboratory, The Hospital for Sick Children
Classification: Uncertain significance for Hereditary spastic paraplegia. Last evaluated: 2020-02-01. Review status: criteria provided, single submitter. Criteria: ACMG Guidelines, 2015. Collection method: clinical testing. Allele origin: germline. Affected: yes.

Ambry Genetics
Classification: Likely benign for Inborn genetic diseases. Last evaluated: 2019-07-11. Review status: criteria provided, single submitter. Criteria: Ambry Variant Classification Scheme 2023. Collection method: clinical testing. Allele origin: germline.

Genetic Services Laboratory, University of Chicago
Classification: Likely benign. Last evaluated: 2016-12-02. Review status: criteria provided, single submitter. Criteria: ACMG Guidelines, 2015. Collection method: clinical testing. Allele origin: germline. Affected: no.

NM_001244008.2(KIF1A):c.5064G>A (p.Pro1688=)

Gene: KIF1A (kinesin family member 1A; minus strand). Cytogenetic location: 2q37.3.
Variant type: single nucleotide variant.
Coding change: c.5064G>A on transcript NM_001244008.2 (MANE Select); coding-DNA position 5064, G replaced by A.
Protein change: p.Pro1688=; no amino-acid change (proline 1688 retained).
Molecular consequence: synonymous variant.
Genome position (GRCh38, 1-based): chr2:240,719,156, C>T on the plus strand (G>A on the coding strand, the complement: KIF1A is on the minus strand). VCF-style: chr2-240719156-C-T. GRCh37 (hg19) VCF-style: chr2-241658573-C-T.
Other names: c.4788G>A, p.Pro1596= (NM_001320705.2, NM_001379649.1); c.4815G>A, p.Pro1605= (NM_001330289.2); c.4863G>A, p.Pro1621= (NM_001330290.2, NM_001379648.1); c.5139G>A, p.Pro1713= (NM_001379631.1); c.5040G>A, p.Pro1680= (NM_001379632.1); c.5037G>A, p.Pro1679= (NM_001379633.1, NM_001379645.1); c.4890G>A, p.Pro1630= (NM_001379634.1); c.4887G>A, p.Pro1629= (NM_001379635.1, NM_001379646.1); and 8 more.
Identifiers: ClinVar variation 335254 (VCV000335254.47), dbSNP rs527977882, ClinGen allele CA2207185.